The following is an entry in ClinVar:

ClinVar aggregate classification (germline): Uncertain significance. Review status: criteria provided, multiple submitters, no conflicts (2 of 4 stars). 3 submissions from 3 submitters: Uncertain significance (3). Last evaluated 2026-08-10.

Conditions:
Inborn genetic diseases. Identifiers: MedGen C0950123, MeSH D030342.

Allele frequency attached by ClinVar (database versions not stated): ExAC 0.00002; gnomAD 0.00004; TOPMed below 0.00001; gnomAD exomes 0.00009.
gnomAD v4.1: 126 of 1,613,666 alleles (0.0078%); highest among the groups gnomAD compares: East Asian, 0.28%; no homozygotes.

Submissions (3):

Ambry Genetics
Classification: Uncertain significance for Inborn genetic diseases. Last evaluated: 2026-08-10. Review status: criteria provided, single submitter. Criteria: Ambry Variant Classification Scheme 2023. Collection method: clinical testing. Allele origin: germline.
Comment: The c.10694T>C (p.F3565S) alteration is located in exon 74 (coding exon 72) of the NEB gene. This alteration results from a T to C substitution at nucleotide position 10694, causing the phenylalanine (F) at amino acid position 3565 to be replaced by a serine (S). Based on data from gnomAD, the C allele has an overall frequency of 0.002% (4/249178) total alleles studied. The highest observed frequency was 0.022% (4/17974) of East Asian alleles. Based on insufficient or conflicting evidence, the clinical significance of this alteration remains unclear.

GeneDx
Classification: Uncertain significance. Last evaluated: 2025-06-11. Review status: criteria provided, single submitter. Criteria: GeneDx Variant Classification Process June 2021. Collection method: clinical testing. Allele origin: germline.
Comment: In silico analysis supports that this missense variant has a deleterious effect on protein structure/function; Has not been previously published as pathogenic or benign to our knowledge

Revvity Omics, Revvity
Classification: Uncertain significance. Last evaluated: 2019-02-25. Review status: criteria provided, single submitter. Criteria: ACMG Guidelines, 2015. Collection method: clinical testing. Allele origin: germline.

NM_001164508.2(NEB):c.11423T>C (p.Phe3808Ser)

Gene: NEB (nebulin; minus strand). Cytogenetic location: 2q23.3.
Variant type: single nucleotide variant.
Coding change: c.11423T>C on transcript NM_001164508.2 (MANE Select); coding-DNA position 11423, T replaced by C.
Protein change: p.Phe3808Ser; replaces phenylalanine 3808 with serine.
Molecular consequence: missense variant.
Genome position (GRCh38, 1-based): chr2:151,614,454, A>G on the plus strand (T>C on the coding strand, the complement: NEB is on the minus strand). VCF-style: chr2-151614454-A-G. GRCh37 (hg19) VCF-style: chr2-152470968-A-G.
Other names: c.10694T>C (NM_004543.4); c.11423T>C, p.Phe3808Ser (NM_001164507.2, NM_001271208.2); c.10694T>C, p.Phe3565Ser (NM_004543.5); short protein forms F3565S, F3808S.
Identifiers: ClinVar variation 2434150 (VCV002434150.7), dbSNP rs201416685, ClinGen allele CA1908758.